The following is an entry in ClinVar:

ClinVar aggregate classification (germline): Pathogenic/Likely pathogenic. Review status: criteria provided, multiple submitters, no conflicts (2 of 4 stars). 4 submissions from 4 submitters: Pathogenic (1); Likely pathogenic (2). 1 of the submissions does not count toward it. Last evaluated 2024-11-12.

Conditions:
O'Donnell-Luria-Rodan syndrome (ODLURO). Also called: KMT2E-Related Neurodevelopmental Disorder. Identifiers: MedGen C5193138, MONDO:0032793, OMIM 618512.
Global developmental delay (DD). Also called: Cognitive delay. Identifiers: MedGen C0557874, HP:0001263. Disease mechanism: loss of function.

Submissions (4):

Translational Cytogenomics Research Unit, Bambino Gesu Children Hospital
Classification: Pathogenic for O'Donnell-Luria-Rodan syndrome. Last evaluated: 2024-11-12. Review status: criteria provided, single submitter. Criteria: ACMG Guidelines, 2015. Collection method: clinical testing. Allele origin: de novo. Affected: yes.
Comment: Null variant (frame-shift) in gene KMT2E, predicted to cause NMD. Loss-of-function is a known mechanism of disease (gene has 104 reported pathogenic LOF variants). The exon affects 1 functional domain: UniProt protein KMT2E_HUMAN region of interest 'Disordered'. The truncated region contains 46 pathogenic variants. ClinVar classifies this variant as Likely Pathogenic, 2 stars (reviewed Jun '24, 3 submissions - Variation ID: 1801704), associated with O'Donnell-Luria-Rodan Syndrome. This variant has been identified as a de novo. ACMG Criteria (PVS1, PP5, PM2, PS2)

Pediatrics, Sichuan Provincial Hospital For Women And Children
Classification: Likely pathogenic for O'Donnell-Luria-Rodan syndrome. Last evaluated: 2023-08-09. Review status: criteria provided, single submitter. Criteria: ACMG Guidelines, 2015. Collection method: provider interpretation. Allele origin: de novo. Inheritance: Autosomal dominant inheritance. Affected: yes. Observed: 1 hemizygote.
Comment: Drug refractory epilepsy，epileptic spasms，Global development delay

Human Genetics Bochum, Ruhr University Bochum
Classification: Likely pathogenic for Global developmental delay. Last evaluated: 2022-03-01. Review status: criteria provided, single submitter. Criteria: ACMG Guidelines, 2015. Collection method: clinical testing. Allele origin: germline. Affected: yes.
Comment: ACMG criteria used to clasify this variant: PVS1, PM2_SUP

Molecular Genetics laboratory, Necker Hospital
Classification: Likely pathogenic. Last evaluated: 2021-09-06. Review status: no assertion criteria provided. Collection method: clinical testing. Allele origin: de novo. Affected: yes. Not counted in ClinVar's aggregate classification.

NM_182931.3(KMT2E):c.2881_2882del (p.Lys961fs)

Gene: KMT2E (lysine methyltransferase 2E (inactive); plus strand). Cytogenetic location: 7q22.3.
Variant type: Deletion.
Coding change: c.2881_2882del on transcript NM_182931.3 (MANE Select); coding-DNA positions 2881 to 2882, 2 bases deleted (AA; older notation c.2881_2882delAA).
Protein change: p.Lys961fs; shifts the reading frame from lysine 961.
Molecular consequence: frameshift variant.
Genome position (GRCh38, 1-based): chr7:105,107,199-105,107,200, AA deleted; deleting any 2 consecutive bases within chr7:105,107,198-105,107,200 gives the same sequence; the c. name uses the placement nearest the transcript's 3' end. VCF-style (leftmost placement, unchanged base first): chr7-105107197-TAA-T. GRCh37 (hg19) VCF-style: chr7-104747644-TAA-T.
Other names: c.2880_2881del (NM_018682.4); c.2881_2882delAA, p.Lys961Glufs (NM_001410908.1); c.2881_2882del, p.Lys961fs (NM_018682.4); short protein forms K961fs.
Identifiers: ClinVar variation 1801704 (VCV001801704.5), dbSNP rs777413129, ClinGen allele CA4424335.